The following is an entry in ClinVar:

ClinVar aggregate classification (germline): Likely benign. Review status: criteria provided, single submitter (1 of 4 stars). 2 submissions from 2 submitters: Likely benign (1). 1 of the submissions does not count toward it. Last evaluated 2024-05-31.

Conditions:
SEMA3E-related disorder. Also called: SEMA3E-related condition.
CHARGE syndrome (CHARGE). Also called: Hittner Hirsch Kreh syndrome; CHARGE ASSOCIATION--COLOBOMA, HEART ANOMALY, CHOANAL ATRESIA, RETARDATION, GENITAL AND EAR ANOMALIES; Coloboma, heart anomaly, choanal atresia, retardation, genital and ear anomalies; CHARGE association; Hall-Hittner syndrome. Identifiers: Orphanet 138, MedGen C0265354, MONDO:0008965.

gnomAD v4.1: 1 of 1,613,192 alleles (0.000062%); highest among the groups gnomAD compares: Non-Finnish European, 0.000085%; no homozygotes.

Submissions (2):

Labcorp Genetics (formerly Invitae), Labcorp
Classification: Likely benign for CHARGE syndrome. Last evaluated: 2024-05-31. Review status: criteria provided, single submitter. Criteria: Invitae Variant Classification Sherloc (09022015). Collection method: clinical testing. Allele origin: germline.

PreventionGenetics, part of Exact Sciences
Classification: Likely benign for SEMA3E-related condition. Last evaluated: 2021-11-29. Review status: no assertion criteria provided. Collection method: clinical testing. Allele origin: germline. Not counted in ClinVar's aggregate classification.
Comment: This variant is classified as likely benign based on ACMG/AMP sequence variant interpretation guidelines (Richards et al. 2015 PMID: 25741868, with internal and published modifications).

NM_012431.3(SEMA3E):c.15G>C (p.Gly5=)

Gene: SEMA3E (semaphorin 3E; minus strand). Cytogenetic location: 7q21.11.
Variant type: single nucleotide variant.
Coding change: c.15G>C on transcript NM_012431.3 (MANE Select); coding-DNA position 15, G replaced by C.
Protein change: p.Gly5=; no amino-acid change (glycine 5 retained).
Molecular consequence: synonymous variant.
Genome position (GRCh38, 1-based): chr7:83,648,528, C>G on the plus strand (G>C on the coding strand, the complement: SEMA3E is on the minus strand). VCF-style: chr7-83648528-C-G. GRCh37 (hg19) VCF-style: chr7-83277844-C-G.
Other names: c.15G>C (NM_012431.2).
Identifiers: ClinVar variation 2916139 (VCV002916139.5), dbSNP rs140094033, ClinGen allele CA456288053.